The following is an entry in ClinVar:

NM_001378030.1(CCDC78):c.598G>A (p.Glu200Lys)

Gene: CCDC78 (coiled-coil domain containing 78; minus strand). Cytogenetic location: 16p13.3.
Variant type: single nucleotide variant.
Coding change: c.598G>A on transcript NM_001378030.1 (MANE Select); coding-DNA position 598, G replaced by A.
Protein change: p.Glu200Lys; replaces glutamic acid 200 with lysine.
Molecular consequence: missense variant. On other transcripts: non-coding transcript variant (5), intron variant (1).
Genome position (GRCh38, 1-based): chr16:724,952, C>T on the plus strand (G>A on the coding strand, the complement: CCDC78 is on the minus strand). VCF-style: chr16-724952-C-T. GRCh37 (hg19) VCF-style: chr16-774952-C-T.
Other names: c.598G>A, p.Glu200Lys (NM_001031737.3, NM_001378031.1); c.198+126G>A (NM_001378033.1); short protein forms E200K.
Identifiers: ClinVar variation 575613 (VCV000575613.8), dbSNP rs1031306587, ClinGen allele CA276520018.

ClinVar aggregate classification (germline): Uncertain significance (1 of 4 stars; one submission).

Conditions:
Congenital myopathy with internal nuclei and atypical cores. Also called: Myopathy, centronuclear, 4. Identifiers: Orphanet 319160, MedGen C4707232, MONDO:0013890, OMIM 614807.

Allele frequency attached by ClinVar (database versions not stated): gnomAD 0.00001; TOPMed 0.00001.
gnomAD v4.1: 1 of 1,611,032 alleles (0.000062%); highest among the groups gnomAD compares: Non-Finnish European, 0.000085%; no homozygotes.

Submission:

Labcorp Genetics (formerly Invitae), Labcorp
Classification: Uncertain significance for Congenital myopathy with internal nuclei and atypical cores. Last evaluated: 2018-02-14. Review status: criteria provided, single submitter. Criteria: Invitae Variant Classification Sherloc (09022015). Collection method: clinical testing. Allele origin: germline.
Comment: In summary, the available evidence is currently insufficient to determine the role of this variant in disease. Therefore, it has been classified as a Variant of Uncertain Significance. Algorithms developed to predict the effect of missense changes on protein structure and function output the following: SIFT: "Tolerated"; PolyPhen-2: "Benign"; Align-GVGD: "Class C0". The lysine amino acid residue is found in multiple mammalian species, suggesting that this missense change does not adversely affect protein function. These predictions have not been confirmed by published functional studies and their clinical significance is uncertain. This variant has not been reported in the literature in individuals with CCDC78-related disease. This variant is not present in population databases (ExAC no frequency). This sequence change replaces glutamic acid with lysine at codon 200 of the CCDC78 protein (p.Glu200Lys). The glutamic acid residue is moderately conserved and there is a small physicochemical difference between glutamic acid and lysine.